The following is an entry in ClinVar:

ClinVar aggregate classification (germline): Uncertain significance (1 of 4 stars; one submission).

Conditions:
Alstrom syndrome (ALMS). Identifiers: Orphanet 64, MedGen C0268425, MONDO:0008763, OMIM 203800.

Submission:

Labcorp Genetics (formerly Invitae), Labcorp
Classification: Uncertain significance for Alstrom syndrome. Last evaluated: 2021-08-02. Review status: criteria provided, single submitter. Criteria: Invitae Variant Classification Sherloc (09022015). Collection method: clinical testing. Allele origin: germline.
Comment: This sequence change falls in intron 15 of the ALMS1 gene. It does not directly change the encoded amino acid sequence of the ALMS1 protein. It affects a nucleotide within the consensus splice site of the intron. This variant is not present in population databases (ExAC no frequency). This variant has not been reported in the literature in individuals affected with ALMS1-related conditions. Nucleotide substitutions within the consensus splice site are a relatively common cause of aberrant splicing (PMID: 17576681, 9536098). Experimental studies and prediction algorithms are not available or were not evaluated, and the effect of this variant on mRNA splicing is currently unknown. In summary, the available evidence is currently insufficient to determine the role of this variant in disease. Therefore, it has been classified as a Variant of Uncertain Significance.

Literature cited by the submitters: PubMed 17576681; PubMed 9536098.

NM_001378454.1(ALMS1):c.10384+4A>G

Gene: ALMS1 (ALMS1 centrosome and basal body associated protein; plus strand). Cytogenetic location: 2p13.1.
Variant type: single nucleotide variant.
Coding change: c.10384+4A>G on transcript NM_001378454.1 (MANE Select); 4 bases into the intron after coding-DNA position 10384, A replaced by G.
Molecular consequence: intron variant.
Genome position (GRCh38, 1-based): chr2:73,559,146, A>G. VCF-style: chr2-73559146-A-G. GRCh37 (hg19) VCF-style: chr2-73786273-A-G.
Other names: c.10384+4A>G (NM_015120.4).
Identifiers: ClinVar variation 1404704 (VCV001404704.3), dbSNP rs2104064401, ClinGen allele CA2573135796.